The following is an entry in ClinVar:

NC_000016.10:g.(89773385_89775741)_(89799639_89803258)del

Gene: FANCA (FA complementation group A; minus strand). Cytogenetic location: 16q24.3.
Variant type: Deletion.
Identifiers: ClinVar variation 974102 (VCV000974102.1).

ClinVar aggregate classification (germline): Uncertain significance (0 of 4 stars; one submission).

Conditions:
Fanconi anemia complementation group A (FANCA). Also called: Fanconi anemia, group A; FANCA-Related Fanconi Anemia. Identifiers: Orphanet 84, MedGen C3469521, MONDO:0009215, OMIM 227650.

Submission:

Leiden Open Variation Database
Classification: Uncertain significance for Fanconi anemia complementation group A. Last evaluated: 2020-02-28. Review status: no assertion criteria provided. Collection method: curation. Allele origin: germline. Affected: yes.
Comment: Curator: Arleen D. Auerbach. Submitter to LOVD: Arleen D. Auerbach.